The following is an entry in ClinVar:

NM_182961.4(SYNE1):c.1360C>G (p.Gln454Glu)

Gene: SYNE1 (spectrin repeat containing nuclear envelope protein 1; minus strand). Cytogenetic location: 6q25.2.
Variant type: single nucleotide variant.
Coding change: c.1360C>G on transcript NM_182961.4 (MANE Select); coding-DNA position 1360, C replaced by G.
Protein change: p.Gln454Glu; replaces glutamine 454 with glutamic acid.
Molecular consequence: missense variant.
Genome position (GRCh38, 1-based): chr6:152,472,404, G>C on the plus strand (C>G on the coding strand, the complement: SYNE1 is on the minus strand). VCF-style: chr6-152472404-G-C. GRCh37 (hg19) VCF-style: chr6-152793539-G-C.
Other names: c.1381C>G, p.Gln461Glu (NM_033071.5); c.1381C>G (NM_033071.3); short protein forms Q454E, Q461E.
Identifiers: ClinVar variation 1411926 (VCV001411926.5), dbSNP rs542819749, ClinGen allele CA4059414.

ClinVar aggregate classification (germline): Uncertain significance. Review status: criteria provided, multiple submitters, no conflicts (2 of 4 stars). 2 submissions from 2 submitters: Uncertain significance (2). Last evaluated 2025-05-16.

Conditions:
Emery-Dreifuss muscular dystrophy 4, autosomal dominant (EDMD4). Also called: EMERY-DREIFUSS MUSCULAR DYSTROPHY 4 WITH VARIABLE FEATURES. Identifiers: Orphanet 261, MedGen C2751807, MONDO:0013071, OMIM 612998.
Autosomal recessive ataxia, Beauce type. Also called: Spinocerebellar ataxia, autosomal recessive 8; ATAXIA, RECESSIVE, OF BEAUCE; SYNE1 Deficiency; SYNE1-Related Autosomal Recessive Cerebellar Ataxia. Identifiers: Orphanet 88644, MedGen C1853116, MONDO:0012549, OMIM 610743.

Allele frequency attached by ClinVar (database versions not stated): gnomAD exomes below 0.00001; ExAC 0.00001; gnomAD 0.00001; 1000 Genomes Project 30x 0.00016; 1000 Genomes Project 0.00020.
gnomAD v4.1: 5 of 1,613,520 alleles (0.00031%); highest among the groups gnomAD compares: Admixed American, 0.0067%; no homozygotes.

Submissions (2):

Labcorp Genetics (formerly Invitae), Labcorp
Classification: Uncertain significance for Emery-Dreifuss muscular dystrophy 4, autosomal dominant; Autosomal recessive ataxia, Beauce type. Last evaluated: 2025-05-16. Review status: criteria provided, single submitter. Criteria: Invitae Variant Classification Sherloc (09022015). Collection method: clinical testing. Allele origin: germline.
Comment: This sequence change replaces glutamine, which is neutral and polar, with glutamic acid, which is acidic and polar, at codon 461 of the SYNE1 protein (p.Gln461Glu). This variant is present in population databases (rs542819749, gnomAD 0.003%). This variant has not been reported in the literature in individuals affected with SYNE1-related conditions. ClinVar contains an entry for this variant (Variation ID: 1411926). An algorithm developed to predict the effect of missense changes on protein structure and function (PolyPhen-2) suggests that this variant is likely to be tolerated. In summary, the available evidence is currently insufficient to determine the role of this variant in disease. Therefore, it has been classified as a Variant of Uncertain Significance.

GeneDx
Classification: Uncertain significance. Last evaluated: 2024-03-28. Review status: criteria provided, single submitter. Criteria: GeneDx Variant Classification Process June 2021. Collection method: clinical testing. Allele origin: germline. Affected: yes.
Comment: Not observed at significant frequency in large population cohorts (gnomAD); In silico analysis supports that this missense variant does not alter protein structure/function; Has not been previously published as pathogenic or benign to our knowledge